The following is an entry in ClinVar:

NM_005245.4(FAT1):c.10747G>A (p.Asp3583Asn)

Genes: FAT1 (FAT atypical cadherin 1; minus strand), LOC126807254 (BRD4-independent group 4 enhancer GRCh37_chr4:187524269-187525468; plus strand). Cytogenetic location: 4q35.2.
Variant type: single nucleotide variant.
Coding change: c.10747G>A on transcript NM_005245.4 (MANE Select); coding-DNA position 10747, G replaced by A.
Protein change: p.Asp3583Asn; replaces aspartic acid 3583 with asparagine.
Molecular consequence: missense variant.
Genome position (GRCh38, 1-based): chr4:186,603,779, C>T on the plus strand (G>A on the coding strand, the complement: FAT1 is on the minus strand). VCF-style: chr4-186603779-C-T. GRCh37 (hg19) VCF-style: chr4-187524933-C-T.
Other names: short protein forms D3583N.
Identifiers: ClinVar variation 2634180 (VCV002634180.1), dbSNP rs749223648, ClinGen allele CA3165279.

ClinVar aggregate classification (germline): Uncertain significance (1 of 4 stars; one submission).

Conditions:
FAT1-related disorder. Also called: FAT1-related condition.

Allele frequency attached by ClinVar (database versions not stated): ExAC 0.00004.
gnomAD v4.1: 143 of 1,613,732 alleles (0.0089%); highest among the groups gnomAD compares: Admixed American, 0.013%; no homozygotes.

Submission:

PreventionGenetics, part of Exact Sciences
Classification: Uncertain significance for FAT1-related condition. Last evaluated: 2022-08-18. Review status: criteria provided, single submitter. Criteria: ACMG Guidelines, 2015. Collection method: clinical testing. Allele origin: germline.
Comment: The FAT1 c.10747G>A variant is predicted to result in the amino acid substitution p.Asp3583Asn. To our knowledge, this variant has not been reported in the literature. This variant is reported in 0.020% of alleles in individuals of Latino descent in gnomAD. At this time, the clinical significance of this variant is uncertain due to the absence of conclusive functional and genetic evidence.